The following is an entry in ClinVar:

ClinVar aggregate classification (germline): Uncertain significance (1 of 4 stars; one submission).

Allele frequency attached by ClinVar (database versions not stated): gnomAD exomes 0.00001; TOPMed 0.00001; gnomAD 0.00002.
gnomAD v4.1: 18 of 1,613,712 alleles (0.0011%); highest among the groups gnomAD compares: Non-Finnish European, 0.0012%; no homozygotes.

Submission:

Labcorp Genetics (formerly Invitae), Labcorp
Classification: Uncertain significance. Last evaluated: 2024-09-16. Review status: criteria provided, single submitter. Criteria: Invitae Variant Classification Sherloc (09022015). Collection method: clinical testing. Allele origin: germline.
Comment: This sequence change replaces valine, which is neutral and non-polar, with alanine, which is neutral and non-polar, at codon 56 of the ADIPOR1 protein (p.Val56Ala). This variant is present in population databases (no rsID available, gnomAD 0.008%). This variant has not been reported in the literature in individuals affected with ADIPOR1-related conditions. An algorithm developed to predict the effect of missense changes on protein structure and function (PolyPhen-2) suggests that this variant is likely to be tolerated. In summary, the available evidence is currently insufficient to determine the role of this variant in disease. Therefore, it has been classified as a Variant of Uncertain Significance.

NM_015999.6(ADIPOR1):c.167T>C (p.Val56Ala)

Gene: ADIPOR1 (adiponectin receptor 1; minus strand). Cytogenetic location: 1q32.1.
Variant type: single nucleotide variant.
Coding change: c.167T>C on transcript NM_015999.6 (MANE Select); coding-DNA position 167, T replaced by C.
Protein change: p.Val56Ala; replaces valine 56 with alanine.
Molecular consequence: missense variant.
Genome position (GRCh38, 1-based): chr1:202,948,395, A>G on the plus strand (T>C on the coding strand, the complement: ADIPOR1 is on the minus strand). VCF-style: chr1-202948395-A-G. GRCh37 (hg19) VCF-style: chr1-202917523-A-G.
Other names: c.167T>C, p.Val56Ala (NM_001127687.1, NM_001290553.2, NM_001290557.1 and 1 more transcripts); short protein forms V56A.
Identifiers: ClinVar variation 3022418 (VCV003022418.3), dbSNP rs1414059227, ClinGen allele CA344283721.